The following is an entry in ClinVar:

NM_004727.3(SLC24A1):c.3086A>G (p.Asn1029Ser)

Gene: SLC24A1 (solute carrier family 24 member 1; plus strand). Cytogenetic location: 15q22.31.
Variant type: single nucleotide variant.
Coding change: c.3086A>G on transcript NM_004727.3 (MANE Select); coding-DNA position 3086, A replaced by G.
Protein change: p.Asn1029Ser; replaces asparagine 1029 with serine.
Molecular consequence: missense variant. On other transcripts: intron variant (1).
Genome position (GRCh38, 1-based): chr15:65,653,865, A>G. VCF-style: chr15-65653865-A-G. GRCh37 (hg19) VCF-style: chr15-65946203-A-G.
Other names: c.1067A>G, p.Asn356Ser (NM_001254740.2); c.2996A>G, p.Asn999Ser (NM_001301031.1); c.3032A>G, p.Asn1011Ser (NM_001301032.1); c.2996+1057A>G (NM_001301033.2); short protein forms N1011S, N1029S, N356S, N999S.
Identifiers: ClinVar variation 1059857 (VCV001059857.9), dbSNP rs949479647, ClinGen allele CA271573348.

ClinVar aggregate classification (germline): Uncertain significance (1 of 4 stars; one submission).

Allele frequency attached by ClinVar (database versions not stated): gnomAD exomes below 0.00001.
gnomAD v4.1: 1 of 1,613,880 alleles (0.000062%); highest among the groups gnomAD compares: Non-Finnish European, 0.000085%; no homozygotes.

Submission:

Labcorp Genetics (formerly Invitae), Labcorp
Classification: Uncertain significance. Last evaluated: 2022-10-24. Review status: criteria provided, single submitter. Criteria: Invitae Variant Classification Sherloc (09022015). Collection method: clinical testing. Allele origin: germline.
Comment: This variant is not present in population databases (gnomAD no frequency). This sequence change replaces asparagine, which is neutral and polar, with serine, which is neutral and polar, at codon 1029 of the SLC24A1 protein (p.Asn1029Ser). This variant has not been reported in the literature in individuals affected with SLC24A1-related conditions. In summary, the available evidence is currently insufficient to determine the role of this variant in disease. Therefore, it has been classified as a Variant of Uncertain Significance. Algorithms developed to predict the effect of missense changes on protein structure and function output the following: SIFT: "Tolerated"; PolyPhen-2: "Benign"; Align-GVGD: "Class C0". The serine amino acid residue is found in multiple mammalian species, which suggests that this missense change does not adversely affect protein function. ClinVar contains an entry for this variant (Variation ID: 1059857).